The following is an entry in ClinVar:

NM_006623.4(PHGDH):c.1075C>T (p.Gln359Ter)

Gene: PHGDH (phosphoglycerate dehydrogenase; plus strand). Cytogenetic location: 1p12.
Variant type: single nucleotide variant.
Coding change: c.1075C>T on transcript NM_006623.4 (MANE Select); coding-DNA position 1075, C replaced by T.
Protein change: p.Gln359Ter; replaces glutamine 359 with a stop codon.
Molecular consequence: nonsense.
Genome position (GRCh38, 1-based): chr1:119,740,515, C>T. VCF-style: chr1-119740515-C-T. GRCh37 (hg19) VCF-style: chr1-120283138-C-T.
Other names: short protein forms Q359*.
Identifiers: ClinVar variation 1070698 (VCV001070698.7), dbSNP rs1652150288, ClinGen allele CA341852664.

ClinVar aggregate classification (germline): Pathogenic (1 of 4 stars; one submission).

Conditions:
PHGDH deficiency. Identifiers: Orphanet 79351, MedGen C1866174, MONDO:0011152, OMIM 601815.

Allele frequency attached by ClinVar (database versions not stated): gnomAD exomes below 0.00001.
gnomAD v4.1: 1 of 1,571,028 alleles (0.000064%); highest among the groups gnomAD compares: South Asian, 0.0012%; no homozygotes.

Submission:

Labcorp Genetics (formerly Invitae), Labcorp
Classification: Pathogenic for PHGDH deficiency. Last evaluated: 2020-09-09. Review status: criteria provided, single submitter. Criteria: Invitae Variant Classification Sherloc (09022015). Collection method: clinical testing. Allele origin: germline.
Comment: This sequence change creates a premature translational stop signal (p.Gln359*) in the PHGDH gene. It is expected to result in an absent or disrupted protein product. This variant is not present in population databases (ExAC no frequency). This variant has not been reported in the literature in individuals with PHGDH-related conditions. Loss-of-function variants in PHGDH are known to be pathogenic (PMID: 14645240, 24836451). For these reasons, this variant has been classified as Pathogenic.

Literature cited by the submitters: PubMed 14645240; PubMed 24836451.